The following is an entry in ClinVar:

ClinVar aggregate classification (germline): Uncertain significance (1 of 4 stars; one submission).

gnomAD v4.1: 1 of 1,589,452 alleles (0.000063%); highest among the groups gnomAD compares: Non-Finnish European, 0.000086%; no homozygotes.

Submission:

GeneDx
Classification: Uncertain significance. Last evaluated: 2023-11-27. Review status: criteria provided, single submitter. Criteria: GeneDx Variant Classification Process June 2021. Collection method: clinical testing. Allele origin: germline. Affected: yes.
Comment: Not observed at significant frequency in large population cohorts (gnomAD); In silico analysis supports that this missense variant has a deleterious effect on protein structure/function; Has not been previously published as pathogenic or benign to our knowledge

NM_001100913.3(PACS2):c.1906G>T (p.Asp636Tyr)

Gene: PACS2 (phosphofurin acidic cluster sorting protein 2; plus strand). Cytogenetic location: 14q32.33.
Variant type: single nucleotide variant.
Coding change: c.1906G>T on transcript NM_001100913.3 (MANE Select); coding-DNA position 1906, G replaced by T.
Protein change: p.Asp636Tyr; replaces aspartic acid 636 with tyrosine.
Molecular consequence: missense variant.
Genome position (GRCh38, 1-based): chr14:105,384,893, G>T. VCF-style: chr14-105384893-G-T. GRCh37 (hg19) VCF-style: chr14-105851230-G-T.
Other names: c.1669G>T, p.Asp557Tyr (NM_001243127.3); c.1894G>T, p.Asp632Tyr (NM_015197.4); short protein forms D557Y, D632Y, D636Y.
Identifiers: ClinVar variation 3342411 (VCV003342411.1).